The following is an entry in ClinVar:

NM_197968.4(ZMYM2):c.2054_2055del (p.Gln685fs)

Gene: ZMYM2 (zinc finger MYM-type containing 2; plus strand). Cytogenetic location: 13q12.11.
Variant type: Deletion.
Coding change: c.2054_2055del on transcript NM_197968.4 (MANE Select); coding-DNA positions 2054 to 2055, 2 bases deleted (AA; older notation c.2054_2055delAA).
Protein change: p.Gln685fs; shifts the reading frame from glutamine 685.
Molecular consequence: frameshift variant. On other transcripts: non-coding transcript variant (1).
Genome position (GRCh38, 1-based): chr13:20,034,339-20,034,340, AA deleted. VCF-style (leftmost placement, unchanged base first): chr13-20034338-CAA-C. GRCh37 (hg19) VCF-style: chr13-20608478-CAA-C.
Other names: c.2054_2055del, p.Gln685fs (NM_001190964.4, NM_001190965.4, NM_001353157.2 and 5 more transcripts); c.1859_1860del, p.Gln620fs (NM_001353161.3); c.1793_1794del, p.Gln598fs (NM_001353163.2); short protein forms Q598fs, Q620fs, Q685fs.
Identifiers: ClinVar variation 2442527 (VCV002442527.5), dbSNP rs1241090598, ClinGen allele CA608984034.

ClinVar aggregate classification (germline): Conflicting classifications of pathogenicity. Review status: criteria provided, conflicting classifications (1 of 4 stars). 3 submissions from 3 submitters: Pathogenic (2); Uncertain significance (1). Last evaluated 2025-04-17.

Submissions (3):

Dasa
Classification: Pathogenic. Last evaluated: 2025-04-17. Review status: criteria provided, single submitter. Criteria: DASA Assertion Criteria. Collection method: clinical testing. Allele origin: germline.
Comment: NM_197968.4(ZMYM2):c.2054_2055del (p.Gln685Argfs*7) is a frameshift variant in ZMYM2 predicted to alter the reading frame and introduce a premature termination codon and is predicted to result in an absent or altered protein product. Loss of function is an established disease mechanism for ZMYM2-associated disorders. This variant has been reported in individuals with ZMYM2-related disorders. Also, this variant is absent from population databases. Based on the currently available evidence, this variant is classified as pathogenic.

GeneDx
Classification: Pathogenic. Last evaluated: 2024-03-13. Review status: criteria provided, single submitter. Criteria: GeneDx Variant Classification Process June 2021. Collection method: clinical testing. Allele origin: germline. Affected: yes.
Comment: Frameshift variant predicted to result in protein truncation or nonsense mediated decay in a gene for which loss of function is a known mechanism of disease; Has not been previously published as pathogenic or benign to our knowledge

Blueprint Genetics
Classification: Uncertain significance. Last evaluated: 2020-12-23. Review status: criteria provided, single submitter. Criteria: ACMG Guidelines, 2015. Collection method: clinical testing. Allele origin: germline.